The following is an entry in ClinVar:

NM_024675.4(PALB2):c.712A>G (p.Arg238Gly)

Gene: PALB2 (partner and localizer of BRCA2; minus strand). Cytogenetic location: 16p12.2.
Variant type: single nucleotide variant.
Coding change: c.712A>G on transcript NM_024675.4 (MANE Select); coding-DNA position 712, A replaced by G.
Protein change: p.Arg238Gly; replaces arginine 238 with glycine.
Molecular consequence: missense variant.
Genome position (GRCh38, 1-based): chr16:23,635,834, T>C on the plus strand (A>G on the coding strand, the complement: PALB2 is on the minus strand). VCF-style: chr16-23635834-T-C. GRCh37 (hg19) VCF-style: chr16-23647155-T-C.
Other names: short protein forms R238G.
Identifiers: ClinVar variation 233268 (VCV000233268.22), dbSNP rs779278389, ClinGen allele CA7963769.
Genomic context (GRCh38, chr16:23,635,834, plus strand): 5'-TACCGCTATCTGATAGAGTCTGTAAAGGAACTGTAGTCGCCCTGGTGAAATTAGGTCTTC[T>C]TAGGAATGTATCAACACCTTTTTCTGGTTGGGCAGTTGGTGGAATTAATACACTGTCTTC-3'
Protein context (NP_078951.2, residues 228-248): QPEKGVDTFL[Arg238Gly]RPNFTRATTV

ClinVar aggregate classification (germline): Uncertain significance. Review status: criteria provided, multiple submitters, no conflicts (2 of 4 stars). 5 submissions from 5 submitters: Uncertain significance (5). Last evaluated 2025-12-08.

Conditions:
Fanconi anemia complementation group N. Also called: PALB2-Related Fanconi Anemia. Identifiers: Orphanet 84, MedGen C1835817, MONDO:0012565, OMIM 610832. Disease mechanism: loss of function.
Pancreatic cancer, susceptibility to, 3. Identifiers: Orphanet 1333, MedGen C3150547, MONDO:0013236, OMIM 613348.
Familial cancer of breast. Also called: hereditary breast carcinoma; BREAST CANCER, FAMILIAL; Hereditary breast cancer. Identifiers: Orphanet 227535, MedGen C0346153, MONDO:0016419, OMIM 114480. Disease mechanism: loss of function.
Hereditary cancer-predisposing syndrome. Also called: Tumor predisposition; Hereditary Cancer Syndrome; Hereditary neoplastic syndrome; Neoplastic Syndromes, Hereditary. Identifiers: Orphanet 140162, MedGen C0027672, MeSH D009386, MONDO:0015356.

Allele frequency attached by ClinVar (database versions not stated): TOPMed below 0.00001; ExAC 0.00001.
gnomAD v4.1: 4 of 1,614,172 alleles (0.00025%); highest among the groups gnomAD compares: Admixed American, 0.0067%; no homozygotes.

Submissions (5):

Labcorp Genetics (formerly Invitae), Labcorp
Classification: Uncertain significance for Familial cancer of breast. Last evaluated: 2025-12-08. Review status: criteria provided, single submitter. Criteria: Invitae Variant Classification Sherloc (09022015). Collection method: clinical testing. Allele origin: germline.
Comment: This sequence change replaces arginine, which is basic and polar, with glycine, which is neutral and non-polar, at codon 238 of the PALB2 protein (p.Arg238Gly). This variant is present in population databases (rs779278389, gnomAD 0.01%). This variant has not been reported in the literature in individuals affected with PALB2-related conditions. ClinVar contains an entry for this variant (Variation ID: 233268). An algorithm developed to predict the effect of missense changes on protein structure and function outputs the following: PolyPhen-2: "Benign". The glycine amino acid residue is found in multiple mammalian species, which suggests that this missense change does not adversely affect protein function. In summary, the available evidence is currently insufficient to determine the role of this variant in disease. Therefore, it has been classified as a Variant of Uncertain Significance.

Women's Health and Genetics/Laboratory Corporation of America, LabCorp
Classification: Uncertain significance. Last evaluated: 2025-07-29. Review status: criteria provided, single submitter. Criteria: LabCorp Variant Classification Summary - May 2015. Collection method: clinical testing. Allele origin: germline.
Comment: Variant summary: PALB2 c.712A>G (p.Arg238Gly) results in a non-conservative amino acid change in the encoded protein sequence. Algorithms developed to predict the effect of missense changes on protein structure and function are either unavailable or do not agree on the potential impact of this missense change. The variant allele was found at a frequency of 1.6e-05 in 251128 control chromosomes, predominantly at a frequency of 0.00012 within the Latino subpopulation in the gnomAD database. The available data on variant occurrences in the general population are insufficient to allow any conclusion about variant significance. c.712A>G has been observed in one individual affected with BRCA-negative breast cancer and one unaffected control subject (Weitzel_2019). These report(s) do not provide unequivocal conclusions about association of the variant with Hereditary Breast And Ovarian Cancer Syndrome. To our knowledge, no experimental evidence demonstrating an impact on protein function has been reported. The following publication has been ascertained in the context of this evaluation (PMID: 31206626). ClinVar contains an entry for this variant (Variation ID: 233268). Based on the evidence outlined above, the variant was classified as uncertain significance.

Ambry Genetics
Classification: Uncertain significance for Hereditary cancer-predisposing syndrome. Last evaluated: 2023-08-07. Review status: criteria provided, single submitter. Criteria: Ambry Variant Classification Scheme 2023. Collection method: clinical testing. Allele origin: germline.
Comment: The p.R238G variant (also known as c.712A>G), located in coding exon 4 of the PALB2 gene, results from an A to G substitution at nucleotide position 712. The arginine at codon 238 is replaced by glycine, an amino acid with dissimilar properties. This amino acid position is not well conserved on limited sequence alignment. In addition, this alteration is predicted to be tolerated by in silico analysis. Since supporting evidence is limited at this time, the clinical significance of this alteration remains unclear.

Fulgent Genetics
Classification: Uncertain significance for Familial cancer of breast; Fanconi anemia complementation group N; Pancreatic cancer, susceptibility to, 3. Last evaluated: 2022-03-01. Review status: criteria provided, single submitter. Criteria: ACMG Guidelines, 2015. Collection method: clinical testing. Allele origin: unknown.

GeneDx
Classification: Uncertain significance. Last evaluated: 2019-06-13. Review status: criteria provided, single submitter. Criteria: GeneDx Variant Classification Process June 2021. Collection method: clinical testing. Allele origin: germline. Affected: yes.
Comment: Not observed at a significant frequency in large population cohorts (Lek 2016); In silico analysis, which includes protein predictors and evolutionary conservation, supports a deleterious effect

Literature cited by the submitters: PubMed 31206626 (cited by Women's Health and Genetics/Laboratory Corporation of America, LabCorp).